The following is an entry in ClinVar:

NM_001378454.1(ALMS1):c.76G>C (p.Glu26Gln)

Gene: ALMS1 (ALMS1 centrosome and basal body associated protein; plus strand). Cytogenetic location: 2p13.1.
Variant type: single nucleotide variant.
Coding change: c.76G>C on transcript NM_001378454.1 (MANE Select); coding-DNA position 76, G replaced by C.
Protein change: p.Glu26Gln; replaces glutamic acid 26 with glutamine.
Molecular consequence: missense variant.
Genome position (GRCh38, 1-based): chr2:73,385,944, G>C. VCF-style: chr2-73385944-G-C. GRCh37 (hg19) VCF-style: chr2-73613072-G-C.
Other names: c.79G>C, p.Glu27Gln (NM_015120.4); short protein forms E27Q, E26Q.
Identifiers: ClinVar variation 2195970 (VCV002195970.4), dbSNP rs2465970539, ClinGen allele CA347250556.

ClinVar aggregate classification (germline): Uncertain significance (1 of 4 stars; one submission).

Conditions:
Alstrom syndrome (ALMS). Identifiers: Orphanet 64, MedGen C0268425, MONDO:0008763, OMIM 203800.

Submission:

Labcorp Genetics (formerly Invitae), Labcorp
Classification: Uncertain significance for Alstrom syndrome. Last evaluated: 2023-01-30. Review status: criteria provided, single submitter. Criteria: Invitae Variant Classification Sherloc (09022015). Collection method: clinical testing. Allele origin: germline.
Comment: Experimental studies and prediction algorithms are not available or were not evaluated, and the functional significance of this variant is currently unknown. This sequence change replaces glutamic acid, which is acidic and polar, with glutamine, which is neutral and polar, at codon 27 of the ALMS1 protein (p.Glu27Gln). This variant is not present in population databases (gnomAD no frequency). This variant has not been reported in the literature in individuals affected with ALMS1-related conditions. In summary, the available evidence is currently insufficient to determine the role of this variant in disease. Therefore, it has been classified as a Variant of Uncertain Significance.